The following is an entry in ClinVar:

NM_000834.5(GRIN2B):c.3944C>T (p.Ala1315Val)

Gene: GRIN2B (glutamate ionotropic receptor NMDA type subunit 2B; minus strand). Cytogenetic location: 12p13.1.
Variant type: single nucleotide variant.
Coding change: c.3944C>T on transcript NM_000834.5 (MANE Select); coding-DNA position 3944, C replaced by T.
Protein change: p.Ala1315Val; replaces alanine 1315 with valine.
Molecular consequence: missense variant.
Genome position (GRCh38, 1-based): chr12:13,563,294, G>A on the plus strand (C>T on the coding strand, the complement: GRIN2B is on the minus strand). VCF-style: chr12-13563294-G-A. GRCh37 (hg19) VCF-style: chr12-13716228-G-A.
Other names: short protein forms A1315V.
Identifiers: ClinVar variation 655974 (VCV000655974.11), dbSNP rs1591605514, ClinGen allele CA383987159.
Genomic context (GRCh38, chr12:13,563,294, plus strand): 5'-GGGCTCCCATCCATGAATCGGCCCTTGTCTTTCAGGCTTACGCTGCGCGGGGCCAGGGCG[G>A]CTTCTTCCTTCTGCAGGTCCACGAAGGTGTCGTAGGAGTGCTGCCGGCGCAGTTTGTTCC-3'
Protein context (NP_000825.2, residues 1305-1325): DTFVDLQKEE[Ala1315Val]ALAPRSVSLK

ClinVar aggregate classification (germline): Uncertain significance (1 of 4 stars; one submission).

Conditions:
Intellectual developmental disorder, autosomal dominant 6, with or without seizures. Also called: Intellectual disability, autosomal dominant 6; GRIN2B-related developmental delay, intellectual disability and autism spectrum disorder. Identifiers: Orphanet 589547, MedGen C3151411, MONDO:0013509, OMIM 613970.
Developmental and epileptic encephalopathy, 27 (DEE27). Also called: GRIN2B-Related Neurodevelopmental Disorder; Epileptic encephalopathy, early infantile, 27. Identifiers: Orphanet 3451, MedGen C4015316, MONDO:0014505, OMIM 616139.

Submission:

Labcorp Genetics (formerly Invitae), Labcorp
Classification: Uncertain significance for Developmental and epileptic encephalopathy, 27; Intellectual developmental disorder, autosomal dominant 6, with or without seizures. Last evaluated: 2024-09-13. Review status: criteria provided, single submitter. Criteria: Invitae Variant Classification Sherloc (09022015). Collection method: clinical testing. Allele origin: germline.
Comment: This sequence change replaces alanine, which is neutral and non-polar, with valine, which is neutral and non-polar, at codon 1315 of the GRIN2B protein (p.Ala1315Val). This variant is not present in population databases (gnomAD no frequency). This variant has not been reported in the literature in individuals affected with GRIN2B-related conditions. ClinVar contains an entry for this variant (Variation ID: 655974). Invitae Evidence Modeling of protein sequence and biophysical properties (such as structural, functional, and spatial information, amino acid conservation, physicochemical variation, residue mobility, and thermodynamic stability) indicates that this missense variant is not expected to disrupt GRIN2B protein function with a negative predictive value of 95%. In summary, the available evidence is currently insufficient to determine the role of this variant in disease. Therefore, it has been classified as a Variant of Uncertain Significance.